The following is an entry in ClinVar:

ClinVar aggregate classification (germline): Uncertain significance (1 of 4 stars; one submission).

Submission:

Labcorp Genetics (formerly Invitae), Labcorp
Classification: Uncertain significance. Last evaluated: 2024-05-05. Review status: criteria provided, single submitter. Criteria: Invitae Variant Classification Sherloc (09022015). Collection method: clinical testing. Allele origin: germline.
Comment: This sequence change replaces glycine, which is neutral and non-polar, with aspartic acid, which is acidic and polar, at codon 256 of the MBD4 protein (p.Gly256Asp). This variant is not present in population databases (gnomAD no frequency). This variant has not been reported in the literature in individuals affected with MBD4-related conditions. Algorithms developed to predict the effect of missense changes on protein structure and function output the following: SIFT: "Not Available"; PolyPhen-2: "Benign"; Align-GVGD: "Not Available". The aspartic acid amino acid residue is found in multiple mammalian species, which suggests that this missense change does not adversely affect protein function. In summary, the available evidence is currently insufficient to determine the role of this variant in disease. Therefore, it has been classified as a Variant of Uncertain Significance.

NM_001276270.2(MBD4):c.767G>A (p.Gly256Asp)

Gene: MBD4 (methyl-CpG binding domain 4, DNA glycosylase; minus strand). Cytogenetic location: 3q21.3.
Variant type: single nucleotide variant.
Coding change: c.767G>A on transcript NM_001276270.2 (MANE Select); coding-DNA position 767, G replaced by A.
Protein change: p.Gly256Asp; replaces glycine 256 with aspartic acid.
Molecular consequence: missense variant. On other transcripts: intron variant (1).
Genome position (GRCh38, 1-based): chr3:129,436,877, C>T on the plus strand (G>A on the coding strand, the complement: MBD4 is on the minus strand). VCF-style: chr3-129436877-C-T. GRCh37 (hg19) VCF-style: chr3-129155720-C-T.
Other names: c.767G>A, p.Gly256Asp (NM_001276271.2, NM_001276272.2, NM_003925.3); c.247+931G>A (NM_001276273.2); short protein forms G256D.
Identifiers: ClinVar variation 3651617 (VCV003651617.2).